The following is an entry in ClinVar:

NM_000075.4(CDK4):c.863G>C (p.Arg288Pro)

Genes: CDK4 (cyclin dependent kinase 4; minus strand), TSPAN31 (tetraspanin 31; plus strand). Cytogenetic location: 12q14.1.
Variant type: single nucleotide variant.
Coding change: c.863G>C on transcript NM_000075.4 (MANE Select); coding-DNA position 863, G replaced by C.
Protein change: p.Arg288Pro; replaces arginine 288 with proline.
Molecular consequence: missense variant. On other transcripts: 3 prime UTR variant (3).
Genome position (GRCh38, 1-based): chr12:57,748,574, C>G on the plus strand (G>C on the coding strand, the complement: CDK4 is on the minus strand). VCF-style: chr12-57748574-C-G. GRCh37 (hg19) VCF-style: chr12-58142357-C-G.
Other names: c.*1284C>G (NM_001330168.2, NM_001330169.2, NM_005981.5); short protein forms R288P.
Identifiers: ClinVar variation 822622 (VCV000822622.12), dbSNP rs761577371, ClinGen allele CA385542403.
Genomic context (GRCh38, chr12:57,748,574, plus strand): 5'-CACTCCATTGCTCACTCCGGATTACCTTCATCCTTATGTAGATAAGAGTGCTGCAGAGCT[C>G]GAAAGGCAGAGATTCGCTTGTGTGGGTTAAAAGTCAGCATTTCCTGAGGGGAGAGGCAAA-3'
Protein context (NP_000066.1, residues 278-298): FNPHKRISAF[Arg288Pro]ALQHSYLHKD

ClinVar aggregate classification (germline): Uncertain significance. Review status: criteria provided, multiple submitters, no conflicts (2 of 4 stars). 2 submissions from 2 submitters: Uncertain significance (2). Last evaluated 2025-07-30.

Conditions:
Hereditary cancer-predisposing syndrome. Also called: Tumor predisposition; Hereditary Cancer Syndrome; Neoplastic Syndromes, Hereditary; Hereditary neoplastic syndrome. Identifiers: Orphanet 140162, MedGen C0027672, MeSH D009386, MONDO:0015356.
Familial melanoma. Also called: Hereditary melanoma; Hereditary cutaneous melanoma. Identifiers: Orphanet 618, MedGen C1512419, MONDO:0018961.

gnomAD v4.1: 2 of 1,613,910 alleles (0.00012%); highest among the groups gnomAD compares: Non-Finnish European, 0.00017%; no homozygotes.

Submissions (2):

Labcorp Genetics (formerly Invitae), Labcorp
Classification: Uncertain significance for Familial melanoma. Last evaluated: 2025-07-30. Review status: criteria provided, single submitter. Criteria: Invitae Variant Classification Sherloc (09022015). Collection method: clinical testing. Allele origin: germline.
Comment: This sequence change replaces arginine, which is basic and polar, with proline, which is neutral and non-polar, at codon 288 of the CDK4 protein (p.Arg288Pro). This variant is not present in population databases (gnomAD no frequency). This variant has not been reported in the literature in individuals affected with CDK4-related conditions. ClinVar contains an entry for this variant (Variation ID: 822622). Invitae Evidence Modeling of protein sequence and biophysical properties (such as structural, functional, and spatial information, amino acid conservation, physicochemical variation, residue mobility, and thermodynamic stability) indicates that this missense variant is not expected to disrupt CDK4 protein function with a negative predictive value of 95%. In summary, the available evidence is currently insufficient to determine the role of this variant in disease. Therefore, it has been classified as a Variant of Uncertain Significance.

Ambry Genetics
Classification: Uncertain significance for Hereditary cancer-predisposing syndrome. Last evaluated: 2018-11-05. Review status: criteria provided, single submitter. Criteria: Ambry Variant Classification Scheme 2023. Collection method: clinical testing. Allele origin: germline.
Comment: The p.R288P variant (also known as c.863G>C), located in coding exon 7 of the CDK4 gene, results from a G to C substitution at nucleotide position 863. The arginine at codon 288 is replaced by proline, an amino acid with dissimilar properties. This amino acid position is not well conserved in available vertebrate species. In addition, this alteration is predicted to be tolerated by in silico analysis. Since supporting evidence is limited at this time, the clinical significance of this alteration remains unclear.